The following is an entry in ClinVar:

NM_017780.4(CHD7):c.3174G>T (p.Leu1058Phe)

Gene: CHD7 (chromodomain helicase DNA binding protein 7; plus strand). Cytogenetic location: 8q12.2.
Variant type: single nucleotide variant.
Coding change: c.3174G>T on transcript NM_017780.4 (MANE Select); coding-DNA position 3174, G replaced by T.
Protein change: p.Leu1058Phe; replaces leucine 1058 with phenylalanine.
Molecular consequence: missense variant. On other transcripts: intron variant (1).
Genome position (GRCh38, 1-based): chr8:60,822,719, G>T. VCF-style: chr8-60822719-G-T. GRCh37 (hg19) VCF-style: chr8-61735278-G-T.
Other names: c.1717-39510G>T (NM_001316690.1); short protein forms L1058F.
Identifiers: ClinVar variation 2170257 (VCV002170257.4), dbSNP rs535533268, ClinGen allele CA4759891.

ClinVar aggregate classification (germline): Conflicting classifications of pathogenicity. Review status: criteria provided, conflicting classifications (1 of 4 stars). 2 submissions from 2 submitters: Uncertain significance (1); Likely benign (1). Last evaluated 2024-05-06.

Conditions:
Hypogonadotropic hypogonadism 5 with or without anosmia (KAL5). Also called: HYPOGONADOTROPIC HYPOGONADISM 5 WITH ANOSMIA; HYPOGONADOTROPHIC HYPOGONADISM 5 WITHOUT ANOSMIA; CHD7-Related GnRH Deficiency (Kallmann Syndrome 5). Identifiers: Orphanet 478, MedGen C3552553, MONDO:0012880, OMIM 612370. Disease mechanism: loss of function.
CHARGE syndrome (CHARGE). Also called: Hittner Hirsch Kreh syndrome; CHARGE ASSOCIATION--COLOBOMA, HEART ANOMALY, CHOANAL ATRESIA, RETARDATION, GENITAL AND EAR ANOMALIES; Coloboma, heart anomaly, choanal atresia, retardation, genital and ear anomalies; CHARGE association; Hall-Hittner syndrome. Identifiers: Orphanet 138, MedGen C0265354, MONDO:0008965.

Allele frequency attached by ClinVar (database versions not stated): TOPMed 0.00002; gnomAD 0.00003; ExAC 0.00005; 1000 Genomes Project 30x 0.00031; 1000 Genomes Project 0.00040.
gnomAD v4.1: 54 of 1,611,164 alleles (0.0034%); highest among the groups gnomAD compares: South Asian, 0.0088%; no homozygotes.

Submissions (2):

Labcorp Genetics (formerly Invitae), Labcorp
Classification: Uncertain significance for CHARGE syndrome. Last evaluated: 2024-05-06. Review status: criteria provided, single submitter. Criteria: Invitae Variant Classification Sherloc (09022015). Collection method: clinical testing. Allele origin: germline.
Comment: This sequence change replaces leucine, which is neutral and non-polar, with phenylalanine, which is neutral and non-polar, at codon 1058 of the CHD7 protein (p.Leu1058Phe). The frequency data for this variant in the population databases is considered unreliable, as metrics indicate poor data quality at this position in the gnomAD database. This variant has not been reported in the literature in individuals affected with CHD7-related conditions. ClinVar contains an entry for this variant (Variation ID: 2170257). Advanced modeling of protein sequence and biophysical properties (such as structural, functional, and spatial information, amino acid conservation, physicochemical variation, residue mobility, and thermodynamic stability) performed at Invitae indicates that this missense variant is not expected to disrupt CHD7 protein function with a negative predictive value of 95%. In summary, the available evidence is currently insufficient to determine the role of this variant in disease. Therefore, it has been classified as a Variant of Uncertain Significance.

Fulgent Genetics
Classification: Likely benign for CHD7-related CHARGE syndrome; Hypogonadotropic hypogonadism 5 with or without anosmia. Last evaluated: 2024-03-12. Review status: criteria provided, single submitter. Criteria: ACMG Guidelines, 2015. Collection method: clinical testing. Allele origin: germline.